The following is an entry in ClinVar:

NM_052989.3(IFT122):c.1959G>A (p.Ala653=)

Gene: IFT122 (intraflagellar transport 122; plus strand). Cytogenetic location: 3q21.3.
Variant type: single nucleotide variant.
Coding change: c.1959G>A on transcript NM_052989.3 (MANE Select); coding-DNA position 1959, G replaced by A.
Protein change: p.Ala653=; no amino-acid change (alanine 653 retained).
Molecular consequence: synonymous variant.
Genome position (GRCh38, 1-based): chr3:129,488,364, G>A. VCF-style: chr3-129488364-G-A. GRCh37 (hg19) VCF-style: chr3-129207207-G-A.
Other names: c.2112G>A (NM_052985.3); c.1935G>A, p.Ala645= (NM_001280541.2); c.1509G>A, p.Ala503= (NM_001280545.2); c.1332G>A, p.Ala444= (NM_001280546.2); c.1959G>A, p.Ala653= (NM_001410808.1, NM_001410809.1); c.1782G>A, p.Ala594= (NM_001410810.1, NM_001410811.1, NM_001410813.1 and 1 more transcripts); c.1626G>A, p.Ala542= (NM_001410815.1, NM_001410817.1, NM_052990.3); c.2112G>A, p.Ala704= (NM_052985.4).
Identifiers: ClinVar variation 2054987 (VCV002054987.7), dbSNP rs753552899, ClinGen allele CA2606357.

ClinVar aggregate classification (germline): Likely benign. Review status: criteria provided, multiple submitters, no conflicts (2 of 4 stars). 3 submissions from 3 submitters: Likely benign (2). 1 of the submissions does not count toward it. Last evaluated 2025-10-14.

Conditions:
Cranioectodermal dysplasia 1 (CED1). Also called: LEVIN SYNDROME I. Identifiers: Orphanet 1515, MedGen C0432235, MONDO:0021093, OMIM 218330.
IFT122-related disorder. Also called: IFT122-related condition.

Allele frequency attached by ClinVar (database versions not stated): ExAC 0.00002; gnomAD exomes 0.00003; gnomAD 0.00009; TOPMed 0.00012.
gnomAD v4.1: 54 of 1,614,188 alleles (0.0033%); highest among the groups gnomAD compares: African/African-American, 0.028%; no homozygotes.

Submissions (3):

Labcorp Genetics (formerly Invitae), Labcorp
Classification: Likely benign for Cranioectodermal dysplasia 1. Last evaluated: 2025-10-14. Review status: criteria provided, single submitter. Criteria: Invitae Variant Classification Sherloc (09022015). Collection method: clinical testing. Allele origin: germline.

Blueprint Genetics
Classification: Likely benign. Last evaluated: 2024-10-28. Review status: criteria provided, single submitter. Criteria: ACMG Guidelines, 2015. Collection method: clinical testing. Allele origin: germline.

PreventionGenetics, part of Exact Sciences
Classification: Likely benign for IFT122-related condition. Last evaluated: 2020-01-09. Review status: no assertion criteria provided. Collection method: clinical testing. Allele origin: germline. Not counted in ClinVar's aggregate classification.
Comment: This variant is classified as likely benign based on ACMG/AMP sequence variant interpretation guidelines (Richards et al. 2015 PMID: 25741868, with internal and published modifications).